The following is an entry in ClinVar:

ClinVar aggregate classification (germline): Benign/Likely benign. Review status: criteria provided, multiple submitters, no conflicts (2 of 4 stars). 6 submissions from 6 submitters: Benign (3); Likely benign (1). 2 of the submissions do not count toward it. Last evaluated 2026-01-21.

Conditions:
Mucopolysaccharidosis, MPS-III-B (MPS3B). Also called: MUCOPOLYSACCHARIDOSIS, TYPE IIIB; N-ACETYL-ALPHA-D-GLUCOSAMINIDASE DEFICIENCY; NAGLU DEFICIENCY; SANFILIPPO SYNDROME B; MPS III B; MPS IIIB (Sanfilippo Syndrome Type B). Identifiers: Orphanet 79270, MedGen C0086648, MONDO:0009656, OMIM 252920.
NAGLU-related disorder. Also called: NAGLU-related condition.
Charcot-Marie-Tooth disease axonal type 2V. Also called: CHARCOT-MARIE-TOOTH NEUROPATHY, TYPE 2V; CHARCOT-MARIE-TOOTH DISEASE, AXONAL, AUTOSOMAL DOMINANT, TYPE 2V. Identifiers: Orphanet 447964, MedGen C5569050, MONDO:0014665, OMIM 616491.

Allele frequency attached by ClinVar (database versions not stated): 1000 Genomes Project 30x 0.00375; gnomAD 0.00252; ESP Exome Variant Server 0.00278; 1000 Genomes Project 0.00359; gnomAD exomes 0.00027 and 0.00084; ExAC 0.00110; TOPMed 0.00309.
gnomAD v4.1: 824 of 1,612,376 alleles (0.051%); highest among the groups gnomAD compares: African/African-American, 0.91%; 5 homozygotes.

Submissions (6):

Labcorp Genetics (formerly Invitae), Labcorp
Classification: Benign for Charcot-Marie-Tooth disease axonal type 2V; Mucopolysaccharidosis, MPS-III-B. Last evaluated: 2026-01-21. Review status: criteria provided, single submitter. Criteria: Invitae Variant Classification Sherloc (09022015). Collection method: clinical testing. Allele origin: germline.

Mayo Clinic Laboratories, Mayo Clinic
Classification: Benign. Last evaluated: 2024-10-22. Review status: criteria provided, single submitter. Criteria: ACMG Guidelines, 2015. Collection method: clinical testing. Allele origin: germline. Observed: 4 variant alleles.
Comment: BA1, BP4, BP7

Blueprint Genetics
Classification: Likely benign. Last evaluated: 2024-10-18. Review status: criteria provided, single submitter. Criteria: ACMG Guidelines, 2015. Collection method: clinical testing. Allele origin: germline.

Breakthrough Genomics
Classification: Benign. Review status: criteria provided, single submitter. Criteria: ACMG Guidelines, 2015. Collection method: not provided. Allele origin: germline. Inheritance: Autosomal recessive inheritance. Affected: yes.

Natera, Inc.
Classification: Benign for Mucopolysaccharidosis type IIIB. Last evaluated: 2019-11-11. Review status: no assertion criteria provided. Collection method: clinical testing. Allele origin: germline. Not counted in ClinVar's aggregate classification.

PreventionGenetics, part of Exact Sciences
Classification: Benign for NAGLU-related condition. Last evaluated: 2019-05-20. Review status: no assertion criteria provided. Collection method: clinical testing. Allele origin: germline. Not counted in ClinVar's aggregate classification.
Comment: This variant is classified as benign based on ACMG/AMP sequence variant interpretation guidelines (Richards et al. 2015 PMID: 25741868, with internal and published modifications).

NM_000263.4(NAGLU):c.1563G>A (p.Pro521=)

Gene: NAGLU (N-acetyl-alpha-glucosaminidase; plus strand). Cytogenetic location: 17q21.2.
Variant type: single nucleotide variant.
Coding change: c.1563G>A on transcript NM_000263.4 (MANE Select); coding-DNA position 1563, G replaced by A.
Protein change: p.Pro521=; no amino-acid change (proline 521 retained).
Molecular consequence: synonymous variant.
Genome position (GRCh38, 1-based): chr17:42,543,569, G>A. VCF-style: chr17-42543569-G-A. GRCh37 (hg19) VCF-style: chr17-40695587-G-A.
Other names: p.Pro521=.
Identifiers: ClinVar variation 785770 (VCV000785770.17), dbSNP rs61737297, ClinGen allele CA8577053.
Genomic context (GRCh38, chr17:42,543,569, plus strand): 5'-GTACAACTGCTCCGGGGAGGCCTGCAGGGGCCACAATCGTAGCCCGCTGGTCAGGCGGCC[G>A]TCCCTACAGATGAATACCAGCATCTGGTACAACCGATCTGATGTGTTTGAGGCCTGGCGG-3'
Protein context (NP_000254.2, residues 511-531): GHNRSPLVRR[Pro521=]SLQMNTSIWY